The following is an entry in ClinVar:

ClinVar aggregate classification (germline): Uncertain significance (1 of 4 stars; one submission).

Conditions:
Alstrom syndrome (ALMS). Identifiers: Orphanet 64, MedGen C0268425, MONDO:0008763, OMIM 203800.

Submission:

Labcorp Genetics (formerly Invitae), Labcorp
Classification: Uncertain significance for Alstrom syndrome. Last evaluated: 2022-07-03. Review status: criteria provided, single submitter. Criteria: Invitae Variant Classification Sherloc (09022015). Collection method: clinical testing. Allele origin: germline.
Comment: This sequence change replaces glutamic acid, which is acidic and polar, with glycine, which is neutral and non-polar, at codon 2269 of the ALMS1 protein (p.Glu2269Gly). This variant is not present in population databases (gnomAD no frequency). This variant has not been reported in the literature in individuals affected with ALMS1-related conditions. Experimental studies and prediction algorithms are not available or were not evaluated, and the functional significance of this variant is currently unknown. In summary, the available evidence is currently insufficient to determine the role of this variant in disease. Therefore, it has been classified as a Variant of Uncertain Significance.

NM_001378454.1(ALMS1):c.6803A>G (p.Glu2268Gly)

Gene: ALMS1 (ALMS1 centrosome and basal body associated protein; plus strand). Cytogenetic location: 2p13.1.
Variant type: single nucleotide variant.
Coding change: c.6803A>G on transcript NM_001378454.1 (MANE Select); coding-DNA position 6803, A replaced by G.
Protein change: p.Glu2268Gly; replaces glutamic acid 2268 with glycine.
Molecular consequence: missense variant.
Genome position (GRCh38, 1-based): chr2:73,453,330, A>G. VCF-style: chr2-73453330-A-G. GRCh37 (hg19) VCF-style: chr2-73680457-A-G.
Other names: c.6806A>G, p.Glu2269Gly (NM_015120.4); short protein forms E2268G, E2269G.
Identifiers: ClinVar variation 2158353 (VCV002158353.1), dbSNP rs2466110259, ClinGen allele CA347289421.